The following is an entry in ClinVar:

NM_001197104.2(KMT2A):c.9266A>T (p.Gln3089Leu)

Gene: KMT2A (lysine methyltransferase 2A; plus strand). Cytogenetic location: 11q23.3.
Variant type: single nucleotide variant.
Coding change: c.9266A>T on transcript NM_001197104.2 (MANE Select); coding-DNA position 9266, A replaced by T.
Protein change: p.Gln3089Leu; replaces glutamine 3089 with leucine.
Molecular consequence: missense variant.
Genome position (GRCh38, 1-based): chr11:118,505,158, A>T. VCF-style: chr11-118505158-A-T. GRCh37 (hg19) VCF-style: chr11-118375873-A-T.
Other names: c.9356A>T, p.Gln3119Leu (NM_001412597.1); c.9257A>T, p.Gln3086Leu (NM_005933.4); short protein forms Q3086L, Q3119L, Q3089L.
Identifiers: ClinVar variation 2015940 (VCV002015940.4), dbSNP rs2497017342, ClinGen allele CA382819514.

ClinVar aggregate classification (germline): Uncertain significance (1 of 4 stars; one submission).

Submission:

Labcorp Genetics (formerly Invitae), Labcorp
Classification: Uncertain significance. Last evaluated: 2022-07-11. Review status: criteria provided, single submitter. Criteria: Invitae Variant Classification Sherloc (09022015). Collection method: clinical testing. Allele origin: germline.
Comment: Advanced modeling of protein sequence and biophysical properties (such as structural, functional, and spatial information, amino acid conservation, physicochemical variation, residue mobility, and thermodynamic stability) performed at Invitae indicates that this missense variant is expected to disrupt KMT2A protein function. This variant has not been reported in the literature in individuals affected with KMT2A-related conditions. This variant is not present in population databases (gnomAD no frequency). This sequence change replaces glutamine, which is neutral and polar, with leucine, which is neutral and non-polar, at codon 3089 of the KMT2A protein (p.Gln3089Leu). In summary, the available evidence is currently insufficient to determine the role of this variant in disease. Therefore, it has been classified as a Variant of Uncertain Significance.